The following is an entry in ClinVar:

NM_004360.5(CDH1):c.2440-6C>G

Gene: CDH1 (cadherin 1; plus strand). Cytogenetic location: 16q22.1.
Variant type: single nucleotide variant.
Coding change: c.2440-6C>G on transcript NM_004360.5 (MANE Select); 6 bases into the intron before coding-DNA position 2440, C replaced by G.
Molecular consequence: intron variant.
Genome position (GRCh38, 1-based): chr16:68,833,284, C>G. VCF-style: chr16-68833284-C-G. GRCh37 (hg19) VCF-style: chr16-68867187-C-G.
Other names: IVS15-6C>G; c.892-6C>G (NM_001317185.2); c.475-6C>G (NM_001317186.2); c.2257-6C>G (NM_001317184.2).
Identifiers: ClinVar variation 127926 (VCV000127926.91), dbSNP rs139757930, ClinGen allele CA288060.

ClinVar aggregate classification (germline): Benign/Likely benign. Review status: criteria provided, multiple submitters, no conflicts (2 of 4 stars). 30 submissions from 29 submitters: Benign (13); Likely benign (7). 10 of the submissions do not count toward it. Last evaluated 2026-08-01.

Conditions:
Breast and/or ovarian cancer. Identifiers: MedGen CN221562.
Hereditary cancer-predisposing syndrome. Also called: Neoplastic Syndromes, Hereditary; Hereditary Cancer Syndrome; Tumor predisposition; Hereditary neoplastic syndrome. Identifiers: Orphanet 140162, MedGen C0027672, MeSH D009386, MONDO:0015356.
Hereditary diffuse gastric adenocarcinoma (HDGC). Also called: DIFFUSE GASTRIC AND LOBULAR BREAST CANCER SYNDROME. Identifiers: Orphanet 26106, MedGen C1708349, MONDO:0007648, OMIM 137215.
Prostate cancer. Also called: Malignant tumor of prostate. Identifiers: Orphanet 1331, MedGen C0376358, MONDO:0008315, HP:0012125.
Malignant tumor of breast. Also called: Malignant breast neoplasm; Cancer breast. Identifiers: MedGen C0006142, MONDO:0007254. Disease mechanism: loss of function.

Allele frequency attached by ClinVar (database versions not stated): 1000 Genomes Project 30x 0.00062; 1000 Genomes Project 0.00080; gnomAD exomes 0.00130 and 0.00180; gnomAD 0.00145; TOPMed 0.00160; ExAC 0.00180; ESP Exome Variant Server 0.00208.
gnomAD v4.1: 2,169 of 1,613,682 alleles (0.13%); highest among the groups gnomAD compares: Middle Eastern, 0.83%; 5 homozygotes.

Submissions 1 to 25 of 32:

CeGaT Center for Human Genetics Tuebingen
Classification: Likely benign. Last evaluated: 2026-08-01. Review status: criteria provided, single submitter. Criteria: CeGaT Center For Human Genetics Tuebingen Variant Classification Criteria Version 2. Collection method: clinical testing. Allele origin: germline. Affected: yes. Observed: 21 variant alleles.
Comment: CDH1: BP4, BS1

Labcorp Genetics (formerly Invitae), Labcorp
Classification: Benign for Hereditary diffuse gastric adenocarcinoma. Last evaluated: 2026-02-04. Review status: criteria provided, single submitter. Criteria: Invitae Variant Classification Sherloc (09022015). Collection method: clinical testing. Allele origin: germline.

Dasa
Classification: Benign. Last evaluated: 2025-11-27. Review status: criteria provided, single submitter. Criteria: DASA Assertion Criteria. Collection method: clinical testing. Allele origin: germline.
Comment: NM_004360.5(CDH1):c.2440-6C>G is a splice-region variant. Population frequency is inconsistent with a disease-causing role for this variant, and observations in unaffected individuals support a benign interpretation. Computational prediction algorithms are consistent with a benign effect. Therefore, based on the currently available evidence, this variant is classified as benign.

ARUP Laboratories, Molecular Genetics and Genomics, ARUP Laboratories
Classification: Benign. Last evaluated: 2025-07-23. Review status: criteria provided, single submitter. Criteria: ARUP Molecular Germline Variant Investigation Process 2024. Collection method: clinical testing. Allele origin: germline.

Center for Genomic Medicine, Rigshospitalet, Copenhagen University Hospital
Classification: Likely benign. Last evaluated: 2025-03-04. Review status: criteria provided, single submitter. Criteria: ACMG Guidelines, 2015. Collection method: clinical testing. Allele origin: germline.

KCCC/NGS Laboratory, Kuwait Cancer Control Center
Classification: Benign for Hereditary diffuse gastric adenocarcinoma. Last evaluated: 2025-02-01. Review status: criteria provided, single submitter. Criteria: ACMG Guidelines, 2015. Collection method: clinical testing. Allele origin: germline. Affected: no.

Blueprint Genetics
Classification: Likely benign. Last evaluated: 2024-11-22. Review status: criteria provided, single submitter. Criteria: ACMG Guidelines, 2015. Collection method: clinical testing. Allele origin: germline.

Myriad Genetics, Inc.
Classification: Benign for Hereditary diffuse gastric adenocarcinoma. Last evaluated: 2024-09-24. Review status: criteria provided, single submitter. Criteria: Myriad Autosomal Dominant, Autosomal Recessive and X-Linked Classification Criteria (2023). Collection method: clinical testing. Allele origin: unknown.
Comment: This variant is considered benign. This variant is intronic and is not expected to impact mRNA splicing. Homozygosity has been confirmed in one or more individuals. As homozygosity for pathogenic variants in this gene is generally assumed to result in embryonic lethality, this variant is unlikely to be pathogenic. This variant has been observed at a population frequency that is significantly greater than expected given the associated disease prevalence and penetrance.

KCCC/NGS Laboratory, Kuwait Cancer Control Center
Classification: Benign for Familial prostate cancer. Last evaluated: 2023-07-07. Review status: criteria provided, single submitter. Criteria: ACMG Guidelines, 2015. Collection method: clinical testing. Allele origin: germline. Affected: yes.

European Reference Network on Genetic Tumour Risk Syndromes (ERN-GENTURIS), i3s - Instituto de Investigação e Inovação em Saúde, University of Porto
Classification: Benign for Hereditary diffuse gastric adenocarcinoma. Last evaluated: 2022-08-01. Review status: criteria provided, single submitter. Criteria: Lee et al. (Hum Mutat. 2018). Collection method: clinical testing. Allele origin: germline. Inheritance: Autosomal dominant inheritance. Affected: yes. Study: ERN GENTURIS.
Comment: BS1; BS2; BS3; BP4 (PMID: 30311375)

Ambry Genetics
Classification: Likely benign for Hereditary cancer-predisposing syndrome. Last evaluated: 2021-11-04. Review status: criteria provided, single submitter. Criteria: Ambry Variant Classification Scheme 2023. Collection method: clinical testing. Allele origin: germline.

Sema4
Classification: Benign for Hereditary cancer-predisposing syndrome. Last evaluated: 2020-09-10. Review status: criteria provided, single submitter. Criteria: Sema4 Curation Guidelines. Collection method: curation. Allele origin: germline.

Genetic Services Laboratory, University of Chicago
Classification: Benign. Last evaluated: 2020-05-04. Review status: criteria provided, single submitter. Criteria: ACMG Guidelines, 2015. Collection method: clinical testing. Allele origin: germline. Affected: no.

CHEO Genetics Diagnostic Laboratory, Children's Hospital of Eastern Ontario
Classification: Benign for Breast and/or ovarian cancer. Last evaluated: 2019-05-24. Review status: criteria provided, single submitter. Criteria: ACMG Guidelines, 2015. Collection method: clinical testing. Allele origin: germline.

Mendelics
Classification: Likely benign for Hereditary diffuse gastric cancer. Last evaluated: 2018-07-02. Review status: criteria provided, single submitter. Criteria: Mendelics Assertion Criteria 2017. Collection method: clinical testing. Allele origin: unknown.

GeneDx
Classification: Benign. Last evaluated: 2017-05-01. Review status: criteria provided, single submitter. Criteria: GeneDx Variant Classification (06012015). Collection method: clinical testing. Allele origin: germline. Affected: yes.
Comment: This variant is considered likely benign or benign based on one or more of the following criteria: it is a conservative change, it occurs at a poorly conserved position in the protein, it is predicted to be benign by multiple in silico algorithms, and/or has population frequency not consistent with disease.

PreventionGenetics, part of Exact Sciences
Classification: Benign. Last evaluated: 2016-11-22. Review status: criteria provided, single submitter. Criteria: ACMG Guidelines, 2015. Collection method: clinical testing. Allele origin: germline.

Women's Health and Genetics/Laboratory Corporation of America, LabCorp
Classification: Benign. Last evaluated: 2016-01-25. Review status: criteria provided, single submitter. Criteria: LabCorp Variant Classification Summary - May 2015. Collection method: clinical testing. Allele origin: germline.
Comment: Variant summary: Variant affects a non-conserved intronic nucleotide located at a position not widely known to affect splicing. Mutation taster predicts the variant to be neutral along with 5/5 in silico tools via Alamut predicting no significant effect on normal splicing by the variant. The variant was in the large and broad cohorts of the ExAC project at an allele frequency of o,1% which is 63 times higher than the maximal expected allele frequency of a disease causing CDH1 allele (0.0028%) indicating a neutral impact. The variant showed lack of co-segregation with HDGC in one family (Grodecka_GCC_2014) and was shown not to affect splicing and the expression level of the protein (Grodecka_GCC_2014; Molinaro_GCC_2014) further supporting a benign nature. Additionally, clinical diagnostic centers classify variant as Likely Benign/Benign (without evidence to independently evaluate). Considering all evidence, the variant was classified as Benign.

Color Diagnostics, LLC DBA Color Health
Classification: Likely benign for Hereditary cancer-predisposing syndrome. Last evaluated: 2015-01-14. Review status: criteria provided, single submitter. Criteria: ACMG Guidelines, 2015. Collection method: clinical testing. Allele origin: germline.

Breakthrough Genomics
Classification: Likely benign. Review status: criteria provided, single submitter. Criteria: ACMG Guidelines, 2015. Collection method: not provided. Allele origin: germline. Inheritance: Autosomal dominant inheritance. Affected: yes.

Institute for Biomarker Research, Medical Diagnostic Laboratories, L.L.C.
Classification: Likely benign for Hereditary cancer-predisposing syndrome. Last evaluated: 2021-10-27. Review status: no assertion criteria provided. Collection method: clinical testing. Allele origin: germline. Not counted in ClinVar's aggregate classification.

King Laboratory, University of Washington
Classification: Benign. Last evaluated: 2019-09-01. Review status: no assertion criteria provided. Collection method: research. Allele origin: germline. Affected: yes. Not counted in ClinVar's aggregate classification.
Comment: Transcript analysis by cBROCA

True Health Diagnostics
Classification: Benign for Hereditary cancer-predisposing syndrome. Last evaluated: 2017-11-15. Review status: no assertion criteria provided. Collection method: clinical testing. Allele origin: germline. Not counted in ClinVar's aggregate classification.

Clinical Genetics DNA and cytogenetics Diagnostics Lab, Erasmus MC, Erasmus Medical Center
Classification: Likely benign. Review status: no assertion criteria provided. Collection method: clinical testing. Allele origin: germline. Affected: yes. Study: VKGL Data-share Consensus. Not counted in ClinVar's aggregate classification.

Clinical Genetics, Academic Medical Center
Classification: Likely benign. Review status: no assertion criteria provided. Collection method: clinical testing. Allele origin: germline. Affected: yes. Study: VKGL Data-share Consensus. Not counted in ClinVar's aggregate classification.